The following is an entry in ClinVar:

NM_015374.3(SUN2):c.1310A>C (p.Glu437Ala)

Genes: GTPBP1 (GTP binding protein 1; plus strand), SUN2 (Sad1 and UNC84 domain containing 2; minus strand). Cytogenetic location: 22q13.1.
Variant type: single nucleotide variant.
Coding change: c.1310A>C on transcript NM_015374.3 (MANE Select); coding-DNA position 1310, A replaced by C.
Protein change: p.Glu437Ala; replaces glutamic acid 437 with alanine.
Molecular consequence: missense variant.
Genome position (GRCh38, 1-based): chr22:38,740,313, T>G on the plus strand (A>C on the coding strand, the complement: SUN2 is on the minus strand). VCF-style: chr22-38740313-T-G. GRCh37 (hg19) VCF-style: chr22-39136318-T-G.
Other names: c.1373A>C, p.Glu458Ala (NM_001199579.2, NM_001394428.1); c.1310A>C, p.Glu437Ala (NM_001199580.2, NM_001394431.1, NM_001394432.1 and 5 more transcripts); c.1403A>C, p.Glu468Ala (NM_001394427.1); c.1355A>C, p.Glu452Ala (NM_001394429.1, NM_001394430.1); c.1220A>C, p.Glu407Ala (NM_001394438.1); c.1172A>C, p.Glu391Ala (NM_001394439.1, NM_001394440.1, NM_001394441.1); c.911A>C, p.Glu304Ala (NM_001394442.1); c.818A>C, p.Glu273Ala (NM_001394443.1); and 1 more; short protein forms E273A, E407A, E468A, E245A, E304A, E391A, E437A, E452A.
Identifiers: ClinVar variation 3964006 (VCV003964006.2).

ClinVar aggregate classification (germline): Uncertain significance. Review status: criteria provided, multiple submitters, no conflicts (2 of 4 stars). 2 submissions from 2 submitters: Uncertain significance (2). Last evaluated 2025-11-12.

Conditions:
Emery-Dreifuss muscular dystrophy (EDMD). Also called: Scapuloperoneal syndrome, X-linked (formerly); Humeroperoneal neuromuscular disease, (formerly). Identifiers: Orphanet 261, MedGen C0410189, MONDO:0016830.

gnomAD v4.1: 2 of 1,603,618 alleles (0.00012%); highest among the groups gnomAD compares: Middle Eastern, 0.019%; no homozygotes.

Submissions (2):

Labcorp Genetics (formerly Invitae), Labcorp
Classification: Uncertain significance for Emery-Dreifuss muscular dystrophy. Last evaluated: 2025-11-12. Review status: criteria provided, single submitter. Criteria: Invitae Variant Classification Sherloc (09022015). Collection method: clinical testing. Allele origin: germline.
Comment: This sequence change replaces glutamic acid, which is acidic and polar, with alanine, which is neutral and non-polar, at codon 437 of the SUN2 protein (p.Glu437Ala). This variant is not present in population databases (gnomAD no frequency). This variant has not been reported in the literature in individuals affected with SUN2-related conditions. ClinVar contains an entry for this variant (Variation ID: 3964006). An algorithm developed to predict the effect of missense changes on protein structure and function (PolyPhen-2) suggests that this variant is likely to be tolerated. In summary, the available evidence is currently insufficient to determine the role of this variant in disease. Therefore, it has been classified as a Variant of Uncertain Significance.

Ambry Genetics
Classification: Uncertain significance. Last evaluated: 2025-06-09. Review status: criteria provided, single submitter. Criteria: Ambry Variant Classification Scheme 2023. Collection method: clinical testing. Allele origin: germline.